The following is an entry in ClinVar:

ClinVar aggregate classification (germline): Uncertain significance (1 of 4 stars; one submission).

Submission:

GeneDx
Classification: Uncertain significance. Last evaluated: 2025-01-02. Review status: criteria provided, single submitter. Criteria: GeneDx Variant Classification Process June 2021. Collection method: clinical testing. Allele origin: germline. Affected: yes.
Comment: Not observed at significant frequency in large population cohorts (gnomAD); In silico analysis indicates that this missense variant does not alter protein structure/function; Has not been previously published as pathogenic or benign to our knowledge

NM_001069.3(TUBB2A):c.76G>A (p.Asp26Asn)

Gene: TUBB2A (tubulin beta 2A class IIa; minus strand). Cytogenetic location: 6p25.2.
Variant type: single nucleotide variant.
Coding change: c.76G>A on transcript NM_001069.3 (MANE Select); coding-DNA position 76, G replaced by A.
Protein change: p.Asp26Asn; replaces aspartic acid 26 with asparagine.
Molecular consequence: missense variant. On other transcripts: 5 prime UTR variant (1).
Genome position (GRCh38, 1-based): chr6:3,156,134, C>T on the plus strand (G>A on the coding strand, the complement: TUBB2A is on the minus strand). VCF-style: chr6-3156134-C-T. GRCh37 (hg19) VCF-style: chr6-3156368-C-T.
Other names: c.-312G>A (NM_001310315.2); short protein forms D26N.
Identifiers: ClinVar variation 4055757 (VCV004055757.1).
Genomic context (GRCh38, chr6:3,156,134, plus strand): 5'-TCTCCAGCTGCAAGTCACTGTCTCCATGGTAACTGCCTGTGGGGTCGATCCCATGCTCAT[C>T]GCTGATGACCTCCCAAAACTGAAATGAAAAAAGAACCACACCATGGCTCTGCATCCTGAA-3'
Protein context (NP_001060.1, residues 16-36): IGAKFWEVIS[Asp26Asn]EHGIDPTGSY